The following is an entry in ClinVar:

NM_000051.4(ATM):c.1409C>T (p.Ser470Leu)

Gene: ATM (ATM serine/threonine kinase; plus strand). Cytogenetic location: 11q22.3.
Variant type: single nucleotide variant.
Coding change: c.1409C>T on transcript NM_000051.4 (MANE Select); coding-DNA position 1409, C replaced by T.
Protein change: p.Ser470Leu; replaces serine 470 with leucine.
Molecular consequence: missense variant.
Genome position (GRCh38, 1-based): chr11:108,250,874, C>T. VCF-style: chr11-108250874-C-T. GRCh37 (hg19) VCF-style: chr11-108121601-C-T.
Other names: c.1409C>T, p.Ser470Leu (NM_001351834.2); short protein forms S470L.
Identifiers: ClinVar variation 819139 (VCV000819139.7), dbSNP rs1591523878, ClinGen allele CA382533962.

ClinVar aggregate classification (germline): Uncertain significance. Review status: criteria provided, multiple submitters, no conflicts (2 of 4 stars). 2 submissions from 2 submitters: Uncertain significance (2). Last evaluated 2023-09-09.

Conditions:
Hereditary cancer-predisposing syndrome. Also called: Hereditary Cancer Syndrome; Neoplastic Syndromes, Hereditary; Hereditary neoplastic syndrome; Tumor predisposition. Identifiers: Orphanet 140162, MedGen C0027672, MeSH D009386, MONDO:0015356.
Ataxia-telangiectasia syndrome (AT). Also called: Cerebello-oculocutaneous telangiectasia; Immunodeficiency with ataxia telangiectasia; Ataxia-telangiectasia, complementation group E; Ataxia-telangiectasia, complementation group D; AT, COMPLEMENTATION GROUP C; ATAXIA-TELANGIECTASIA, COMPLEMENTATION GROUP A. Identifiers: Orphanet 100, MedGen C0004135, MONDO:0008840, OMIM 208900.

Submissions (2):

Labcorp Genetics (formerly Invitae), Labcorp
Classification: Uncertain significance for Ataxia-telangiectasia syndrome. Last evaluated: 2023-09-09. Review status: criteria provided, single submitter. Criteria: Invitae Variant Classification Sherloc (09022015). Collection method: clinical testing. Allele origin: germline.
Comment: In summary, the available evidence is currently insufficient to determine the role of this variant in disease. Therefore, it has been classified as a Variant of Uncertain Significance. Algorithms developed to predict the effect of missense changes on protein structure and function output the following: SIFT: "Not Available"; PolyPhen-2: "Benign"; Align-GVGD: "Not Available". The leucine amino acid residue is found in multiple mammalian species, which suggests that this missense change does not adversely affect protein function. ClinVar contains an entry for this variant (Variation ID: 819139). This variant has not been reported in the literature in individuals affected with ATM-related conditions. This variant is not present in population databases (gnomAD no frequency). This sequence change replaces serine, which is neutral and polar, with leucine, which is neutral and non-polar, at codon 470 of the ATM protein (p.Ser470Leu).

Ambry Genetics
Classification: Uncertain significance for Hereditary cancer-predisposing syndrome. Last evaluated: 2018-05-07. Review status: criteria provided, single submitter. Criteria: Ambry Variant Classification Scheme 2023. Collection method: clinical testing. Allele origin: germline.
Comment: The p.S470L variant (also known as c.1409C>T), located in coding exon 9 of the ATM gene, results from a C to T substitution at nucleotide position 1409. The serine at codon 470 is replaced by leucine, an amino acid with dissimilar properties. This amino acid position is not well conserved in available vertebrate species. In addition, this alteration is predicted to be tolerated by in silico analysis. Since supporting evidence is limited at this time, the clinical significance of this alteration remains unclear.